The following is an entry in ClinVar:

ClinVar aggregate classification (germline): Uncertain significance (1 of 4 stars; one submission).

Conditions:
Emery-Dreifuss muscular dystrophy 5, autosomal dominant (EDMD5). Also called: EMERY-DREIFUSS MUSCULAR DYSTROPHY 5. Identifiers: Orphanet 261, MedGen C2751805, MONDO:0013072, OMIM 612999.

Allele frequency attached by ClinVar (database versions not stated): TOPMed below 0.00001; gnomAD exomes 0.00001.
gnomAD v4.1: 11 of 1,614,156 alleles (0.00068%); highest among the groups gnomAD compares: Non-Finnish European, 0.00093%; no homozygotes.

Submission:

Labcorp Genetics (formerly Invitae), Labcorp
Classification: Uncertain significance for Emery-Dreifuss muscular dystrophy 5, autosomal dominant. Last evaluated: 2025-08-18. Review status: criteria provided, single submitter. Criteria: Invitae Variant Classification Sherloc (09022015). Collection method: clinical testing. Allele origin: germline.
Comment: This sequence change replaces serine, which is neutral and polar, with cysteine, which is neutral and slightly polar, at codon 5450 of the SYNE2 protein (p.Ser5450Cys). This variant is not present in population databases (gnomAD no frequency). This variant has not been reported in the literature in individuals affected with SYNE2-related conditions. ClinVar contains an entry for this variant (Variation ID: 580405). An algorithm developed to predict the effect of missense changes on protein structure and function (PolyPhen-2) suggests that this variant is likely to be disruptive. In summary, the available evidence is currently insufficient to determine the role of this variant in disease. Therefore, it has been classified as a Variant of Uncertain Significance.

NM_182914.3(SYNE2):c.16349C>G (p.Ser5450Cys)

Gene: SYNE2 (spectrin repeat containing nuclear envelope protein 2; plus strand). Cytogenetic location: 14q23.2.
Variant type: single nucleotide variant.
Coding change: c.16349C>G on transcript NM_182914.3 (MANE Select); coding-DNA position 16349, C replaced by G.
Protein change: p.Ser5450Cys; replaces serine 5450 with cysteine.
Molecular consequence: missense variant.
Genome position (GRCh38, 1-based): chr14:64,163,451, C>G. VCF-style: chr14-64163451-C-G. GRCh37 (hg19) VCF-style: chr14-64630169-C-G.
Other names: c.16349C>G, p.Ser5450Cys (NM_015180.6); short protein forms S5450C.
Identifiers: ClinVar variation 580405 (VCV000580405.8), dbSNP rs757857559, ClinGen allele CA261827701.